The following is an entry in ClinVar:

ClinVar aggregate classification (germline): Uncertain significance. Review status: criteria provided, multiple submitters, no conflicts (2 of 4 stars). 3 submissions from 3 submitters: Uncertain significance (3). Last evaluated 2024-12-09.

Conditions:
Inborn genetic diseases. Identifiers: MedGen C0950123, MeSH D030342.

Allele frequency attached by ClinVar (database versions not stated): ExAC 0.00005.

Submissions (3):

Labcorp Genetics (formerly Invitae), Labcorp
Classification: Uncertain significance. Last evaluated: 2024-12-09. Review status: criteria provided, single submitter. Criteria: Invitae Variant Classification Sherloc (09022015). Collection method: clinical testing. Allele origin: germline.
Comment: This sequence change replaces methionine, which is neutral and non-polar, with threonine, which is neutral and polar, at codon 10 of the NDUFA13 protein (p.Met10Thr). This variant is present in population databases (rs150011367, gnomAD 0.04%). This variant has not been reported in the literature in individuals affected with NDUFA13-related conditions. ClinVar contains an entry for this variant (Variation ID: 2196189). An algorithm developed to predict the effect of missense changes on protein structure and function (PolyPhen-2) suggests that this variant is likely to be disruptive. In summary, the available evidence is currently insufficient to determine the role of this variant in disease. Therefore, it has been classified as a Variant of Uncertain Significance.

Ambry Genetics
Classification: Uncertain significance for Inborn genetic diseases. Last evaluated: 2023-07-14. Review status: criteria provided, single submitter. Criteria: Ambry Variant Classification Scheme 2023. Collection method: clinical testing. Allele origin: germline.

Breakthrough Genomics
Classification: Uncertain significance. Review status: criteria provided, single submitter. Criteria: ACMG Guidelines, 2015. Collection method: not provided. Allele origin: germline. Inheritance: Autosomal dominant inheritance. Affected: yes.

NM_015965.7(NDUFA13):c.29T>C (p.Met10Thr)

Genes: NDUFA13 (NADH:ubiquinone oxidoreductase subunit A13; plus strand), LOC130064074 (ATAC-STARR-seq lymphoblastoid active region 14360; plus strand). Cytogenetic location: 19p13.11.
Variant type: single nucleotide variant.
Coding change: c.29T>C on transcript NM_015965.7 (MANE Select); coding-DNA position 29, T replaced by C.
Protein change: p.Met10Thr; replaces methionine 10 with threonine.
Molecular consequence: missense variant.
Genome position (GRCh38, 1-based): chr19:19,516,267, T>C. VCF-style: chr19-19516267-T-C. GRCh37 (hg19) VCF-style: chr19-19627076-T-C.
Other names: c.29T>C (NM_015965.6); short protein forms M10T.
Identifiers: ClinVar variation 2196189 (VCV002196189.7), dbSNP rs150011367, ClinGen allele CA9327605.